The following is an entry in ClinVar:

NM_020631.6(PLEKHG5):c.186G>A (p.Lys62=)

Gene: PLEKHG5 (pleckstrin homology and RhoGEF domain containing G5; minus strand). Cytogenetic location: 1p36.31.
Variant type: single nucleotide variant.
Coding change: c.186G>A on transcript NM_020631.6 (MANE Select); coding-DNA position 186, G replaced by A.
Protein change: p.Lys62=; no amino-acid change (lysine 62 retained).
Molecular consequence: synonymous variant.
Genome position (GRCh38, 1-based): chr1:6,475,486, C>T on the plus strand (G>A on the coding strand, the complement: PLEKHG5 is on the minus strand). VCF-style: chr1-6475486-C-T. GRCh37 (hg19) VCF-style: chr1-6535546-C-T.
Other names: c.297G>A, p.Lys99= (NM_001042663.3, NM_001265592.2); c.186G>A, p.Lys62= (NM_001042664.2, NM_001042665.2, NM_001265594.3 and 1 more transcripts); c.393G>A, p.Lys131= (NM_001265593.2).
Identifiers: ClinVar variation 381312 (VCV000381312.52), dbSNP rs372405586, ClinGen allele CA561959.

ClinVar aggregate classification (germline): Likely benign. Review status: criteria provided, multiple submitters, no conflicts (2 of 4 stars). 4 submissions from 4 submitters: Likely benign (4). Last evaluated 2026-02-18.

Conditions:
PLEKHG5-related disorder. Also called: PLEKHG5-related condition.
Inborn genetic diseases. Identifiers: MedGen C0950123, MeSH D030342.
Charcot-Marie-Tooth disease recessive intermediate C. Also called: CHARCOT-MARIE-TOOTH NEUROPATHY, RECESSIVE INTERMEDIATE C. Identifiers: Orphanet 369867, MedGen C3809309, MONDO:0014154, OMIM 615376.
Neuronopathy, distal hereditary motor, autosomal recessive 4. Also called: Autosomal recessive lower motor neuron disease with childhood onset; NEUROPATHY, DISTAL HEREDITARY MOTOR, AUTOSOMAL RECESSIVE 4. Identifiers: Orphanet 206580, MedGen C1970211, MONDO:0012608, OMIM 611067.

Allele frequency attached by ClinVar (database versions not stated): ESP Exome Variant Server 0.00008; gnomAD 0.00008; TOPMed 0.00009; gnomAD exomes 0.00014.
gnomAD v4.1: 209 of 1,613,446 alleles (0.013%); highest among the groups gnomAD compares: Non-Finnish European, 0.017%; no homozygotes.

Submissions (4):

PreventionGenetics, part of Exact Sciences
Classification: Likely benign for PLEKHG5-related condition. Last evaluated: 2026-02-18. Review status: criteria provided, single submitter. Criteria: ACMG Guidelines, 2015. Collection method: clinical testing. Allele origin: germline.
Comment: This variant is classified as likely benign based on ACMG/AMP sequence variant interpretation guidelines (Richards et al. 2015 PMID: 25741868, with internal and published modifications).

Labcorp Genetics (formerly Invitae), Labcorp
Classification: Likely benign for Neuronopathy, distal hereditary motor, autosomal recessive 4; Charcot-Marie-Tooth disease recessive intermediate C. Last evaluated: 2025-12-29. Review status: criteria provided, single submitter. Criteria: Invitae Variant Classification Sherloc (09022015). Collection method: clinical testing. Allele origin: germline.

GeneDx
Classification: Likely benign. Last evaluated: 2019-11-06. Review status: criteria provided, single submitter. Criteria: GeneDx Variant Classification Process June 2021. Collection method: clinical testing. Allele origin: germline. Affected: yes.

Ambry Genetics
Classification: Likely benign for Inborn genetic diseases. Last evaluated: 2019-07-11. Review status: criteria provided, single submitter. Criteria: Ambry Variant Classification Scheme 2023. Collection method: clinical testing. Allele origin: germline.